The following is an entry in ClinVar:

NM_004946.3(DOCK2):c.1316A>G (p.Asn439Ser)

Gene: DOCK2 (dedicator of cytokinesis 2; plus strand). Cytogenetic location: 5q35.1.
Variant type: single nucleotide variant.
Coding change: c.1316A>G on transcript NM_004946.3 (MANE Select); coding-DNA position 1316, A replaced by G.
Protein change: p.Asn439Ser; replaces asparagine 439 with serine.
Molecular consequence: missense variant. On other transcripts: non-coding transcript variant (1).
Genome position (GRCh38, 1-based): chr5:169,702,360, A>G. VCF-style: chr5-169702360-A-G. GRCh37 (hg19) VCF-style: chr5-169129364-A-G.
Other names: short protein forms N439S.
Identifiers: ClinVar variation 745171 (VCV000745171.13), dbSNP rs113673055, ClinGen allele CA3553420.

ClinVar aggregate classification (germline): Conflicting classifications of pathogenicity. Review status: criteria provided, conflicting classifications (1 of 4 stars). 3 submissions from 3 submitters: Uncertain significance (1); Likely benign (2). Last evaluated 2026-02-05.

Conditions:
DOCK2 deficiency. Also called: Immunodeficiency 40. Identifiers: Orphanet 447737, MedGen C4225328, MONDO:0014637, OMIM 616433.
DOCK2-related disorder. Also called: DOCK2-related condition.

Allele frequency attached by ClinVar (database versions not stated): gnomAD exomes 0.00009 and 0.00024; ExAC 0.00033; 1000 Genomes Project 30x 0.00094; gnomAD 0.00094; TOPMed 0.00098; 1000 Genomes Project 0.00100; ESP Exome Variant Server 0.00154.
gnomAD v4.1: 307 of 1,614,026 alleles (0.019%); highest among the groups gnomAD compares: African/African-American, 0.33%; 3 homozygotes.

Submissions (3):

Women's Health and Genetics/Laboratory Corporation of America, LabCorp
Classification: Likely benign. Last evaluated: 2026-02-05. Review status: criteria provided, single submitter. Criteria: LabCorp Variant Classification Summary - May 2015. Collection method: clinical testing. Allele origin: germline.
Comment: Variant summary: DOCK2 c.1316A>G (p.Asn439Ser) results in a conservative amino acid change in the encoded protein sequence. Algorithms developed to predict the effect of missense changes on protein structure and function all suggest that this variant is likely to be tolerated. The variant allele was found at a frequency of 0.00024 in 251006 control chromosomes, predominantly at a frequency of 0.003 within the African or African-American subpopulation in the gnomAD database. The observed variant frequency within African or African-American control individuals in the gnomAD database exceeds the estimated maximal expected allele frequency for disease-causing variants in DOCK2. To our knowledge, no occurrence of c.1316A>G in individuals affected with DOCK2-related conditions and no experimental evidence demonstrating its impact on protein function have been reported. ClinVar contains an entry for this variant (Variation ID: 745171). Based on the evidence outlined above, the variant was classified as likely benign.

Labcorp Genetics (formerly Invitae), Labcorp
Classification: Likely benign for DOCK2 deficiency. Last evaluated: 2026-01-22. Review status: criteria provided, single submitter. Criteria: Invitae Variant Classification Sherloc (09022015). Collection method: clinical testing. Allele origin: germline.

PreventionGenetics, part of Exact Sciences
Classification: Uncertain significance for DOCK2-related condition. Last evaluated: 2023-06-16. Review status: criteria provided, single submitter. Criteria: ACMG Guidelines, 2015. Collection method: clinical testing. Allele origin: germline.
Comment: The DOCK2 c.1316A>G variant is predicted to result in the amino acid substitution p.Asn439Ser. To our knowledge, this variant has not been reported in the literature. This variant is reported in 0.32% of alleles in individuals of African descent in gnomAD. Although we suspect that this variant may be benign, at this time, the clinical significance of this variant is uncertain due to the absence of conclusive functional and genetic evidence.